The following is an entry in ClinVar:

ClinVar aggregate classification (germline): Conflicting classifications of pathogenicity. Review status: criteria provided, conflicting classifications (1 of 4 stars). 2 submissions from 2 submitters: Uncertain significance (1); Likely benign (1). Last evaluated 2024-12-17.

Conditions:
Autosomal dominant epilepsy with auditory features. Identifiers: Orphanet 101046, MedGen C1838062, MONDO:0010898.

Allele frequency attached by ClinVar (database versions not stated): TOPMed 0.00001.
gnomAD v4.1: 3 of 1,613,046 alleles (0.00019%); highest among the groups gnomAD compares: Admixed American, 0.005%; no homozygotes.

Submissions (2):

Labcorp Genetics (formerly Invitae), Labcorp
Classification: Uncertain significance for Autosomal dominant epilepsy with auditory features. Last evaluated: 2024-12-17. Review status: criteria provided, single submitter. Criteria: Invitae Variant Classification Sherloc (09022015). Collection method: clinical testing. Allele origin: germline.
Comment: This sequence change falls in intron 7 of the LGI1 gene. It does not directly change the encoded amino acid sequence of the LGI1 protein. It affects a nucleotide within the consensus splice site. This variant is present in population databases (no rsID available, gnomAD 0.003%). This variant has not been reported in the literature in individuals affected with LGI1-related conditions. ClinVar contains an entry for this variant (Variation ID: 373359). Variants that disrupt the consensus splice site are a relatively common cause of aberrant splicing (PMID: 17576681, 9536098). Algorithms developed to predict the effect of sequence changes on RNA splicing suggest that this variant is not likely to affect RNA splicing. In summary, the available evidence is currently insufficient to determine the role of this variant in disease. Therefore, it has been classified as a Variant of Uncertain Significance.

GeneDx
Classification: Likely benign. Last evaluated: 2020-03-31. Review status: criteria provided, single submitter. Criteria: GeneDx Variant Classification Process June 2021. Collection method: clinical testing. Allele origin: germline. Affected: yes.
Comment: Not observed at a significant frequency in large population cohorts (Lek et al., 2016); Has not been previously published as pathogenic or benign to our knowledge

Literature cited by the submitters: PubMed 17576681 (cited by Labcorp Genetics (formerly Invitae), Labcorp); PubMed 9536098 (cited by Labcorp Genetics (formerly Invitae), Labcorp).

NM_005097.4(LGI1):c.838+3A>G

Gene: LGI1 (leucine rich glioma inactivated 1; plus strand). Cytogenetic location: 10q23.33.
Variant type: single nucleotide variant.
Coding change: c.838+3A>G on transcript NM_005097.4 (MANE Select); 3 bases into the intron after coding-DNA position 838, A replaced by G.
Molecular consequence: intron variant.
Genome position (GRCh38, 1-based): chr10:93,793,353, A>G. VCF-style: chr10-93793353-A-G. GRCh37 (hg19) VCF-style: chr10-95553110-A-G.
Other names: c.838+3A>G (NM_001308275.2); c.694+3A>G (NM_001308276.2).
Identifiers: ClinVar variation 373359 (VCV000373359.11), dbSNP rs781205119, ClinGen allele CA16042760.